The following is an entry in ClinVar:

NM_002103.5(GYS1):c.1062+5G>A

Gene: GYS1 (glycogen synthase 1; minus strand). Cytogenetic location: 19q13.33.
Variant type: single nucleotide variant.
Coding change: c.1062+5G>A on transcript NM_002103.5 (MANE Select); 5 bases into the intron after coding-DNA position 1062, G replaced by A.
Molecular consequence: intron variant.
Genome position (GRCh38, 1-based): chr19:48,982,250, C>T on the plus strand (G>A on the coding strand, the complement: GYS1 is on the minus strand). VCF-style: chr19-48982250-C-T. GRCh37 (hg19) VCF-style: chr19-49485507-C-T.
Other names: c.870+5G>A (NM_001161587.2).
Identifiers: ClinVar variation 1356216 (VCV001356216.3), dbSNP rs199937247, ClinGen allele CA9563125.

ClinVar aggregate classification (germline): Uncertain significance (1 of 4 stars; one submission).

Conditions:
Glycogen storage disease due to muscle and heart glycogen synthase deficiency. Also called: GSD 0b; MUSCLE GLYCOGEN SYNTHASE DEFICIENCY. Identifiers: Orphanet 137625, MedGen C1969054, MONDO:0012693, OMIM 611556.

Allele frequency attached by ClinVar (database versions not stated): gnomAD 0.00001; TOPMed 0.00001; ExAC 0.00002; gnomAD exomes 0.00003; 1000 Genomes Project 30x 0.00016; 1000 Genomes Project 0.00020.

Submission:

Labcorp Genetics (formerly Invitae), Labcorp
Classification: Uncertain significance for Glycogen storage disease due to muscle and heart glycogen synthase deficiency. Last evaluated: 2022-01-03. Review status: criteria provided, single submitter. Criteria: Invitae Variant Classification Sherloc (09022015). Collection method: clinical testing. Allele origin: germline.
Comment: This sequence change falls in intron 7 of the GYS1 gene. It does not directly change the encoded amino acid sequence of the GYS1 protein. It affects a nucleotide within the consensus splice site. This variant is present in population databases (rs199937247, gnomAD 0.006%). This variant has not been reported in the literature in individuals affected with GYS1-related conditions. Variants that disrupt the consensus splice site are a relatively common cause of aberrant splicing (PMID: 17576681, 9536098). Algorithms developed to predict the effect of sequence changes on RNA splicing suggest that this variant may disrupt the consensus splice site. In summary, the available evidence is currently insufficient to determine the role of this variant in disease. Therefore, it has been classified as a Variant of Uncertain Significance.

Literature cited by the submitters: PubMed 17576681; PubMed 9536098.